The following is an entry in ClinVar:

ClinVar aggregate classification (germline): Uncertain significance. Review status: criteria provided, multiple submitters, no conflicts (2 of 4 stars). 4 submissions from 4 submitters: Uncertain significance (3). 1 of the submissions does not count toward it. Last evaluated 2026-04-09.

Conditions:
TMC1-related disorder. Also called: TMC1-related disorders; TMC1-related condition.

Allele frequency attached by ClinVar (database versions not stated): ExAC 0.00005; gnomAD exomes 0.00007 and 0.00008; gnomAD 0.00009 and 0.00010; TOPMed 0.00009; ESP Exome Variant Server 0.00015.
gnomAD v4.1: 132 of 1,612,188 alleles (0.0082%); highest among the groups gnomAD compares: Non-Finnish European, 0.0098%; no homozygotes.

Submissions (4):

PreventionGenetics, part of Exact Sciences
Classification: Uncertain significance for TMC1-related condition. Last evaluated: 2026-04-09. Review status: criteria provided, single submitter. Criteria: ACMG Guidelines, 2015. Collection method: clinical testing. Allele origin: germline.
Comment: The TMC1 c.2254C>T variant is predicted to result in premature protein termination (p.Arg752*). To our knowledge, this variant has not been reported in the literature. This variant is reported in 0.015% of alleles in individuals of European (Non-Finnish) descent in gnomAD. Frameshift variants in TMC1 gene are expected to be pathogenic, however loss-of-function variants downstream of this variant has not be reported. Although we suspect that this variant may be pathogenic, at this time, the clinical significance of this variant is uncertain due to the absence of conclusive functional and genetic evidence.

Labcorp Genetics (formerly Invitae), Labcorp
Classification: Uncertain significance. Last evaluated: 2025-11-23. Review status: criteria provided, single submitter. Criteria: Invitae Variant Classification Sherloc (09022015). Collection method: clinical testing. Allele origin: germline.
Comment: This sequence change creates a premature translational stop signal (p.Arg752*) in the TMC1 gene. While this is not anticipated to result in nonsense mediated decay, it is expected to disrupt the last 9 amino acid(s) of the TMC1 protein. This variant is present in population databases (rs149506642, gnomAD 0.01%). This variant has not been reported in the literature in individuals affected with TMC1-related conditions. ClinVar contains an entry for this variant (Variation ID: 1049283). Experimental studies and prediction algorithms are not available or were not evaluated, and the functional significance of this variant is currently unknown. In summary, the available evidence is currently insufficient to determine the role of this variant in disease. Therefore, it has been classified as a Variant of Uncertain Significance.

Blueprint Genetics
Classification: Uncertain significance. Last evaluated: 2022-09-13. Review status: criteria provided, single submitter. Criteria: ACMG Guidelines, 2015. Collection method: clinical testing. Allele origin: germline.

Department of Pathology and Laboratory Medicine, Sinai Health System
Classification: Uncertain significance. Review status: no assertion criteria provided. Collection method: clinical testing. Allele origin: unknown. Affected: yes. Study: The Canadian Open Genetics Repository (COGR). Not counted in ClinVar's aggregate classification.
Comment: The TMC1 p.Arg752* variant was not identified in the literature nor was it identified in ClinVar. The variant was identified in dbSNP (ID: rs149506642) and in control databases in 22 of 281940 chromosomes at a frequency of 0.00007803 (Genome Aggregation Database March 6, 2019, v2.1.1). The variant was observed in the following populations: European (non-Finnish) in 19 of 128884 chromosomes (freq: 0.000147) and African in 3 of 24856 chromosomes (freq: 0.000121), but was not observed in the Latino, Ashkenazi Jewish, East Asian, European (Finnish), Other, or South Asian populations. The c.2254C>T variant leads to a premature stop codon at position 752, however this occurs in the penultimate exon of the TMC1 gene and results in less than a 10% protein loss; therefore the potential impact on the protein is unclear. The variant occurs outside of the splicing consensus sequence and in silico or computational prediction software programs (SpliceSiteFinder, MaxEntScan, NNSPLICE, GeneSplicer) do not predict a difference in splicing. In summary, based on the above information the clinical significance of this variant cannot be determined with certainty at this time. This variant is classified as a variant of uncertain significance.

NM_138691.3(TMC1):c.2254C>T (p.Arg752Ter)

Gene: TMC1 (transmembrane channel like 1; plus strand). Cytogenetic location: 9q21.13.
Variant type: single nucleotide variant.
Coding change: c.2254C>T on transcript NM_138691.3 (MANE Select); coding-DNA position 2254, C replaced by T.
Protein change: p.Arg752Ter; replaces arginine 752 with a stop codon.
Molecular consequence: nonsense.
Genome position (GRCh38, 1-based): chr9:72,830,676, C>T. VCF-style: chr9-72830676-C-T. GRCh37 (hg19) VCF-style: chr9-75445592-C-T.
Other names: c.2254C>T (NM_138691.2); short protein forms R752*.
Identifiers: ClinVar variation 1049283 (VCV001049283.4), dbSNP rs149506642, ClinGen allele CA5082204.